The following is an entry in ClinVar:

NM_001184.4(ATR):c.4562A>C (p.Asp1521Ala)

Gene: ATR (ATR checkpoint kinase; minus strand). Cytogenetic location: 3q23.
Variant type: single nucleotide variant.
Coding change: c.4562A>C on transcript NM_001184.4 (MANE Select); coding-DNA position 4562, A replaced by C.
Protein change: p.Asp1521Ala; replaces aspartic acid 1521 with alanine.
Molecular consequence: missense variant.
Genome position (GRCh38, 1-based): chr3:142,513,580, T>G on the plus strand (A>C on the coding strand, the complement: ATR is on the minus strand). VCF-style: chr3-142513580-T-G. GRCh37 (hg19) VCF-style: chr3-142232422-T-G.
Other names: c.4370A>C, p.Asp1457Ala (NM_001354579.2); short protein forms D1457A, D1521A.
Identifiers: ClinVar variation 1014084 (VCV001014084.12), dbSNP rs2032702060, ClinGen allele CA354796972.

ClinVar aggregate classification (germline): Uncertain significance. Review status: criteria provided, multiple submitters, no conflicts (2 of 4 stars). 4 submissions from 3 submitters: Uncertain significance (4). Last evaluated 2024-11-15.

Conditions:
Familial cutaneous telangiectasia and oropharyngeal predisposition cancer syndrome. Identifiers: Orphanet 313846, MedGen C3281203, MONDO:0013806, OMIM 614564.
Inborn genetic diseases. Identifiers: MedGen C0950123, MeSH D030342.
Seckel syndrome 1 (SCKL1). Also called: MICROCEPHALIC PRIMORDIAL DWARFISM I. Identifiers: Orphanet 808, MedGen C4551474, MONDO:0008869, OMIM 210600.

Allele frequency attached by ClinVar (database versions not stated): TOPMed below 0.00001.
gnomAD v4.1: 1 of 1,613,480 alleles (0.000062%); highest among the groups gnomAD compares: Non-Finnish European, 0.000085%; no homozygotes.

Submissions (4):

Ambry Genetics
Classification: Uncertain significance for Inborn genetic diseases. Last evaluated: 2024-11-15. Review status: criteria provided, single submitter. Criteria: Ambry Variant Classification Scheme 2023. Collection method: clinical testing. Allele origin: germline.
Comment: The p.D1521A variant (also known as c.4562A>C), located in coding exon 26 of the ATR gene, results from an A to C substitution at nucleotide position 4562. The aspartic acid at codon 1521 is replaced by alanine, an amino acid with dissimilar properties. This amino acid position is conserved. In addition, this alteration is predicted to be deleterious by in silico analysis. Since supporting evidence is limited at this time, the clinical significance of this alteration remains unclear.

Genome-Nilou Lab
Classification: Uncertain significance for Seckel syndrome 1. Last evaluated: 2023-02-08. Review status: criteria provided, single submitter. Criteria: ACMG Guidelines, 2015. Collection method: clinical testing. Allele origin: germline.

Genome-Nilou Lab
Classification: Uncertain significance for Familial cutaneous telangiectasia and oropharyngeal predisposition cancer syndrome. Last evaluated: 2023-02-08. Review status: criteria provided, single submitter. Criteria: ACMG Guidelines, 2015. Collection method: clinical testing. Allele origin: germline.

Labcorp Genetics (formerly Invitae), Labcorp
Classification: Uncertain significance. Last evaluated: 2022-08-16. Review status: criteria provided, single submitter. Criteria: Invitae Variant Classification Sherloc (09022015). Collection method: clinical testing. Allele origin: germline.
Comment: In summary, the available evidence is currently insufficient to determine the role of this variant in disease. Therefore, it has been classified as a Variant of Uncertain Significance. Algorithms developed to predict the effect of missense changes on protein structure and function (SIFT, PolyPhen-2, Align-GVGD) all suggest that this variant is likely to be disruptive. ClinVar contains an entry for this variant (Variation ID: 1014084). This variant has not been reported in the literature in individuals affected with ATR-related conditions. This variant is not present in population databases (gnomAD no frequency). This sequence change replaces aspartic acid, which is acidic and polar, with alanine, which is neutral and non-polar, at codon 1521 of the ATR protein (p.Asp1521Ala).